The following is an entry in ClinVar:

ClinVar aggregate classification (germline): Uncertain significance (1 of 4 stars; one submission).

Conditions:
Neuropathy, hereditary sensory and autonomic, type 2A (HSAN2A). Also called: ACROOSTEOLYSIS, GIACCAI TYPE; ACROOSTEOLYSIS, NEUROGENIC; WNK1-Related HSAN2 (HSAN2A); MORVAN DISEASE; NEUROPATHY, CONGENITAL SENSORY; NEUROPATHY, HEREDITARY SENSORY RADICULAR, AUTOSOMAL RECESSIVE. Identifiers: Orphanet 970, MedGen C2752089, MONDO:0024309, OMIM 201300.
Generalized epilepsy with febrile seizures plus, type 7 (GEFSP7). Also called: GEFS+, TYPE 7. Identifiers: Orphanet 36387, MedGen C2751778, MONDO:0013470, OMIM 613863.

Submission:

Labcorp Genetics (formerly Invitae), Labcorp
Classification: Uncertain significance for Neuropathy, hereditary sensory and autonomic, type 2A; Generalized epilepsy with febrile seizures plus, type 7. Last evaluated: 2024-02-16. Review status: criteria provided, single submitter. Criteria: Invitae Variant Classification Sherloc (09022015). Collection method: clinical testing. Allele origin: germline.
Comment: This sequence change replaces aspartic acid, which is acidic and polar, with glutamic acid, which is acidic and polar, at codon 801 of the SCN9A protein (p.Asp801Glu). This variant is not present in population databases (gnomAD no frequency). This variant has not been reported in the literature in individuals affected with SCN9A-related conditions. Advanced modeling of protein sequence and biophysical properties (such as structural, functional, and spatial information, amino acid conservation, physicochemical variation, residue mobility, and thermodynamic stability) has been performed at Invitae for this missense variant, however the output from this modeling did not meet the statistical confidence thresholds required to predict the impact of this variant on SCN9A protein function. In summary, the available evidence is currently insufficient to determine the role of this variant in disease. Therefore, it has been classified as a Variant of Uncertain Significance.

NM_001365536.1(SCN9A):c.2436C>A (p.Asp812Glu)

Genes: SCN9A (sodium voltage-gated channel alpha subunit 9; minus strand), SCN1A-AS1 (SCN1A and SCN9A antisense RNA 1; plus strand). Cytogenetic location: 2q24.3.
Variant type: single nucleotide variant.
Coding change: c.2436C>A on transcript NM_001365536.1 (MANE Select); coding-DNA position 2436, C replaced by A.
Protein change: p.Asp812Glu; replaces aspartic acid 812 with glutamic acid.
Molecular consequence: missense variant.
Genome position (GRCh38, 1-based): chr2:166,278,221, G>T on the plus strand (C>A on the coding strand, the complement: SCN9A is on the minus strand). VCF-style: chr2-166278221-G-T. GRCh37 (hg19) VCF-style: chr2-167134731-G-T.
Other names: c.2403C>A, p.Asp801Glu (NM_002977.4); short protein forms D801E, D812E.
Identifiers: ClinVar variation 3754718 (VCV003754718.2).